The following is an entry in ClinVar:

NM_001267550.2(TTN):c.101206T>G (p.Trp33736Gly)

Genes: TTN-AS1 (TTN antisense RNA 1; plus strand), TTN (titin; minus strand). Cytogenetic location: 2q31.2.
Variant type: single nucleotide variant.
Coding change: c.101206T>G on transcript NM_001267550.2 (MANE Select); coding-DNA position 101206, T replaced by G.
Protein change: p.Trp33736Gly; replaces tryptophan 33736 with glycine.
Molecular consequence: missense variant.
Genome position (GRCh38, 1-based): chr2:178,535,409, A>C on the plus strand (T>G on the coding strand, the complement: TTN is on the minus strand). VCF-style: chr2-178535409-A-C. GRCh37 (hg19) VCF-style: chr2-179400136-A-C.
Other names: c.96283T>G, p.Trp32095Gly (NM_001256850.1); c.74011T>G, p.Trp24671Gly (NM_003319.4); c.93502T>G, p.Trp31168Gly (NM_133378.4); c.74386T>G, p.Trp24796Gly (NM_133432.3); c.74587T>G, p.Trp24863Gly (NM_133437.4); short protein forms W24671G, W24796G, W32095G, W24863G, W33736G, W31168G.
Identifiers: ClinVar variation 841788 (VCV000841788.8), dbSNP rs1690982138, ClinGen allele CA349421307.
Genomic context (GRCh38, chr2:178,535,409, plus strand): 5'-TTTTTCCAAATAAGTTGATCACGGTATAACGTGTTTCTCGGGCCTGTCCTACACGGAGCC[A>C]TCTTTCTGCAGTAGTTGCACATTTTTCAACAATGTAGTTGGTGATTTTGCTGCCACCATC-3'
Protein context (NP_001254479.2, residues 33726-33746): VEKCATTAER[Trp33736Gly]LRVGQARETR

ClinVar aggregate classification (germline): Uncertain significance (1 of 4 stars; one submission).

Conditions:
Autosomal recessive limb-girdle muscular dystrophy type 2J (LGMDR10). Also called: Limb-girdle muscular dystrophy, type 2J; MUSCULAR DYSTROPHY, LIMB-GIRDLE, AUTOSOMAL RECESSIVE 10. Identifiers: Orphanet 140922, MedGen C1837342, MONDO:0012127, OMIM 608807.
Dilated cardiomyopathy 1G (CMD1G). Identifiers: Orphanet 154, MedGen C1858763, MONDO:0011400, OMIM 604145.

Submission:

Labcorp Genetics (formerly Invitae), Labcorp
Classification: Uncertain significance for Dilated cardiomyopathy 1G; Autosomal recessive limb-girdle muscular dystrophy type 2J. Last evaluated: 2023-03-23. Review status: criteria provided, single submitter. Criteria: Invitae Variant Classification Sherloc (09022015). Collection method: clinical testing. Allele origin: germline.
Comment: In summary, the available evidence is currently insufficient to determine the role of this variant in disease. Therefore, it has been classified as a Variant of Uncertain Significance. This variant is located in the M band of TTN (PMID: 25589632). Variants in this region may be relevant for neuromuscular disorders, but have not been definitively shown to cause cardiomyopathy (PMID: 23975875). Experimental studies and prediction algorithms are not available or were not evaluated, and the functional significance of this variant is currently unknown. ClinVar contains an entry for this variant (Variation ID: 841788). This variant has not been reported in the literature in individuals affected with TTN-related conditions. This variant is not present in population databases (gnomAD no frequency). This sequence change replaces tryptophan, which is neutral and slightly polar, with glycine, which is neutral and non-polar, at codon 33736 of the TTN protein (p.Trp33736Gly).

Literature cited by the submitters: PubMed 25589632; PubMed 23975875.